The following is an entry in ClinVar:

NM_000784.4(CYP27A1):c.734G>C (p.Gly245Ala)

Gene: CYP27A1 (cytochrome P450 family 27 subfamily A member 1; plus strand). Cytogenetic location: 2q35.
Variant type: single nucleotide variant.
Coding change: c.734G>C on transcript NM_000784.4 (MANE Select); coding-DNA position 734, G replaced by C.
Protein change: p.Gly245Ala; replaces glycine 245 with alanine.
Molecular consequence: missense variant.
Genome position (GRCh38, 1-based): chr2:218,812,639, G>C. VCF-style: chr2-218812639-G-C. GRCh37 (hg19) VCF-style: chr2-219677362-G-C.
Other names: short protein forms G245A.
Identifiers: ClinVar variation 4754504 (VCV004754504.1).

ClinVar aggregate classification (germline): Uncertain significance (1 of 4 stars; one submission).

Conditions:
Cholestanol storage disease (CTX). Also called: Cerebrotendinous Xanthomatosis; CTX: Cerebrotendinous xanthomatosis; CEREBRAL CHOLESTERINOSIS. Identifiers: Orphanet 909, MedGen C0238052, MONDO:0008948, OMIM 213700.

gnomAD v4.1: 7 of 1,614,196 alleles (0.00043%); highest among the groups gnomAD compares: East Asian, 0.013%; no homozygotes.

Submission:

Labcorp Genetics (formerly Invitae), Labcorp
Classification: Uncertain significance for Cholestanol storage disease. Last evaluated: 2025-04-20. Review status: criteria provided, single submitter. Criteria: Invitae Variant Classification Sherloc (09022015). Collection method: clinical testing. Allele origin: germline.
Comment: This sequence change replaces glycine, which is neutral and non-polar, with alanine, which is neutral and non-polar, at codon 245 of the CYP27A1 protein (p.Gly245Ala). This variant is not present in population databases (gnomAD no frequency). This variant has not been reported in the literature in individuals affected with CYP27A1-related conditions. Invitae Evidence Modeling of protein sequence and biophysical properties (such as structural, functional, and spatial information, amino acid conservation, physicochemical variation, residue mobility, and thermodynamic stability) indicates that this missense variant is not expected to disrupt CYP27A1 protein function with a negative predictive value of 95%. In summary, the available evidence is currently insufficient to determine the role of this variant in disease. Therefore, it has been classified as a Variant of Uncertain Significance.